The following is an entry in ClinVar:

NM_003072.5(SMARCA4):c.914C>A (p.Pro305Gln)

Gene: SMARCA4 (SWI/SNF related BAF chromatin remodeling complex subunit ATPase 4; plus strand). Cytogenetic location: 19p13.2.
Variant type: single nucleotide variant.
Coding change: c.914C>A on transcript NM_003072.5 (MANE Select); coding-DNA position 914, C replaced by A.
Protein change: p.Pro305Gln; replaces proline 305 with glutamine.
Molecular consequence: missense variant. On other transcripts: non-coding transcript variant (1).
Genome position (GRCh38, 1-based): chr19:10,987,720, C>A. VCF-style: chr19-10987720-C-A. GRCh37 (hg19) VCF-style: chr19-11098396-C-A.
Other names: c.914C>A, p.Pro305Gln (NM_001128844.3, NM_001128845.2, NM_001128846.2 and 6 more transcripts); short protein forms P305Q.
Identifiers: ClinVar variation 3798931 (VCV003798931.1).

ClinVar aggregate classification (germline): Uncertain significance (1 of 4 stars; one submission).

Conditions:
Hereditary cancer-predisposing syndrome. Also called: Neoplastic Syndromes, Hereditary; Hereditary Cancer Syndrome; Tumor predisposition; Hereditary neoplastic syndrome. Identifiers: Orphanet 140162, MedGen C0027672, MeSH D009386, MONDO:0015356.

gnomAD v4.1: 2 of 1,610,316 alleles (0.00012%); highest among the groups gnomAD compares: Non-Finnish European, 0.00017%; no homozygotes.

Submission:

Ambry Genetics
Classification: Uncertain significance for Hereditary cancer-predisposing syndrome. Last evaluated: 2025-03-14. Review status: criteria provided, single submitter. Criteria: Ambry Variant Classification Scheme 2023. Collection method: clinical testing. Allele origin: germline.
Comment: The p.P305Q variant (also known as c.914C>A), located in coding exon 5 of the SMARCA4 gene, results from a C to A substitution at nucleotide position 914. The proline at codon 305 is replaced by glutamine, an amino acid with similar properties. This amino acid position is conserved. In addition, the in silico prediction for this alteration is inconclusive. Based on the available evidence, the clinical significance of this variant remains unclear.